The following is an entry in ClinVar:

NM_002582.4(PARN):c.314A>G (p.Lys105Arg)

Gene: PARN (poly(A)-specific ribonuclease; minus strand). Cytogenetic location: 16p13.12.
Variant type: single nucleotide variant.
Coding change: c.314A>G on transcript NM_002582.4 (MANE Select); coding-DNA position 314, A replaced by G.
Protein change: p.Lys105Arg; replaces lysine 105 with arginine.
Molecular consequence: missense variant.
Genome position (GRCh38, 1-based): chr16:14,627,119, T>C on the plus strand (A>G on the coding strand, the complement: PARN is on the minus strand). VCF-style: chr16-14627119-T-C. GRCh37 (hg19) VCF-style: chr16-14720976-T-C.
Other names: c.314A>G (NM_002582.3); c.131A>G, p.Lys44Arg (NM_001134477.3); c.176A>G, p.Lys59Arg (NM_001242992.2); short protein forms K59R, K44R, K105R.
Identifiers: ClinVar variation 2923888 (VCV002923888.5), dbSNP rs1213898858, ClinGen allele CA394815737.

ClinVar aggregate classification (germline): Uncertain significance. Review status: criteria provided, multiple submitters, no conflicts (2 of 4 stars). 2 submissions from 2 submitters: Uncertain significance (2). Last evaluated 2026-06-17.

Conditions:
Inborn genetic diseases. Identifiers: MedGen C0950123, MeSH D030342.
Dyskeratosis congenita, autosomal recessive 6 (DKCB6). Identifiers: MedGen C4225356, MONDO:0014600, OMIM 616353.
Pulmonary fibrosis and/or bone marrow failure, Telomere-related, 4. Also called: PULMONARY FIBROSIS AND/OR BONE MARROW FAILURE SYNDROME, TELOMERE-RELATED, 4. Identifiers: Orphanet 2032, MedGen C4225347, MONDO:0014612, OMIM 616371.

Allele frequency attached by ClinVar (database versions not stated): gnomAD exomes below 0.00001; TOPMed 0.00001.
gnomAD v4.1: 6 of 1,594,314 alleles (0.00038%); highest among the groups gnomAD compares: Admixed American, 0.0034%; no homozygotes.

Submissions (2):

Ambry Genetics
Classification: Uncertain significance for Inborn genetic diseases. Last evaluated: 2026-06-17. Review status: criteria provided, single submitter. Criteria: Ambry Variant Classification Scheme 2023. Collection method: clinical testing. Allele origin: germline.

Labcorp Genetics (formerly Invitae), Labcorp
Classification: Uncertain significance for Dyskeratosis congenita, autosomal recessive 6; Pulmonary fibrosis and/or bone marrow failure, Telomere-related, 4. Last evaluated: 2025-02-04. Review status: criteria provided, single submitter. Criteria: Invitae Variant Classification Sherloc (09022015). Collection method: clinical testing. Allele origin: germline.
Comment: This sequence change replaces lysine, which is basic and polar, with arginine, which is basic and polar, at codon 105 of the PARN protein (p.Lys105Arg). The frequency data for this variant in the population databases is considered unreliable, as metrics indicate poor data quality at this position in the gnomAD database. This variant has not been reported in the literature in individuals affected with PARN-related conditions. ClinVar contains an entry for this variant (Variation ID: 2923888). Invitae Evidence Modeling of protein sequence and biophysical properties (such as structural, functional, and spatial information, amino acid conservation, physicochemical variation, residue mobility, and thermodynamic stability) indicates that this missense variant is not expected to disrupt PARN protein function with a negative predictive value of 80%. In summary, the available evidence is currently insufficient to determine the role of this variant in disease. Therefore, it has been classified as a Variant of Uncertain Significance.